The following is an entry in ClinVar:

NM_001298.3(CNGA3):c.1109C>T (p.Pro370Leu)

Gene: CNGA3 (cyclic nucleotide gated channel subunit alpha 3; plus strand). Cytogenetic location: 2q11.2.
Variant type: single nucleotide variant.
Coding change: c.1109C>T on transcript NM_001298.3 (MANE Select); coding-DNA position 1109, C replaced by T.
Protein change: p.Pro370Leu; replaces proline 370 with leucine.
Molecular consequence: missense variant.
Genome position (GRCh38, 1-based): chr2:98,396,279, C>T. VCF-style: chr2-98396279-C-T. GRCh37 (hg19) VCF-style: chr2-99012742-C-T.
Other names: c.1055C>T, p.Pro352Leu (NM_001079878.2); short protein forms P370L, P352L.
Identifiers: ClinVar variation 3834453 (VCV003834453.1).

ClinVar aggregate classification (germline): Uncertain significance (1 of 4 stars; one submission).

Conditions:
Inborn genetic diseases. Identifiers: MedGen C0950123, MeSH D030342.

gnomAD v4.1: 1 of 1,611,188 alleles (0.000062%); highest among the groups gnomAD compares: Non-Finnish European, 0.000085%; no homozygotes.

Submission:

Ambry Genetics
Classification: Uncertain significance for Inborn genetic diseases. Last evaluated: 2025-01-24. Review status: criteria provided, single submitter. Criteria: Ambry Variant Classification Scheme 2023. Collection method: clinical testing. Allele origin: germline.
Comment: The c.1109C>T (p.P370L) alteration is located in exon 8 (coding exon 7) of the CNGA3 gene. This alteration results from a C to T substitution at nucleotide position 1109, causing the proline (P) at amino acid position 370 to be replaced by a leucine (L). This variant was not reported in population-based cohorts in the Genome Aggregation Database (gnomAD). This amino acid position is highly conserved in available vertebrate species. This alteration is predicted to be deleterious by in silico analysis. Based on insufficient or conflicting evidence, the clinical significance of this alteration remains unclear.